The following is an entry in ClinVar:

ClinVar aggregate classification (germline): Uncertain significance (1 of 4 stars; one submission).

Allele frequency attached by ClinVar (database versions not stated): ExAC 0.00001; TOPMed 0.00001; ESP Exome Variant Server 0.00008.
gnomAD v4.1: 1 of 1,614,082 alleles (0.000062%); no homozygotes.

Submission:

Labcorp Genetics (formerly Invitae), Labcorp
Classification: Uncertain significance. Last evaluated: 2023-06-24. Review status: criteria provided, single submitter. Criteria: Invitae Variant Classification Sherloc (09022015). Collection method: clinical testing. Allele origin: germline.
Comment: This sequence change replaces leucine, which is neutral and non-polar, with isoleucine, which is neutral and non-polar, at codon 261 of the KANK4 protein (p.Leu261Ile). This variant is present in population databases (rs373505382, gnomAD 0.0009%). This variant has not been reported in the literature in individuals affected with KANK4-related conditions. An algorithm developed to predict the effect of missense changes on protein structure and function (PolyPhen-2) suggests that this variant is likely to be disruptive. In summary, the available evidence is currently insufficient to determine the role of this variant in disease. Therefore, it has been classified as a Variant of Uncertain Significance.

NM_181712.5(KANK4):c.781C>A (p.Leu261Ile)

Gene: KANK4 (KN motif and ankyrin repeat domains 4; minus strand). Cytogenetic location: 1p31.3.
Variant type: single nucleotide variant.
Coding change: c.781C>A on transcript NM_181712.5 (MANE Select); coding-DNA position 781, C replaced by A.
Protein change: p.Leu261Ile; replaces leucine 261 with isoleucine.
Molecular consequence: missense variant. On other transcripts: intron variant (1).
Genome position (GRCh38, 1-based): chr1:62,274,323, G>T on the plus strand (C>A on the coding strand, the complement: KANK4 is on the minus strand). VCF-style: chr1-62274323-G-T. GRCh37 (hg19) VCF-style: chr1-62739995-G-T.
Other names: c.17-2734C>A (NM_001320269.2); short protein forms L261I.
Identifiers: ClinVar variation 2727765 (VCV002727765.3), dbSNP rs373505382, ClinGen allele CA884500.